The following is an entry in ClinVar:

NM_000051.4(ATM):c.1012A>C (p.Asn338His)

Gene: ATM (ATM serine/threonine kinase; plus strand). Cytogenetic location: 11q22.3.
Variant type: single nucleotide variant.
Coding change: c.1012A>C on transcript NM_000051.4 (MANE Select); coding-DNA position 1012, A replaced by C.
Protein change: p.Asn338His; replaces asparagine 338 with histidine.
Molecular consequence: missense variant.
Genome position (GRCh38, 1-based): chr11:108,247,074, A>C. VCF-style: chr11-108247074-A-C. GRCh37 (hg19) VCF-style: chr11-108117801-A-C.
Other names: c.1012A>C, p.Asn338His (NM_001351834.2); short protein forms N338H.
Identifiers: ClinVar variation 631090 (VCV000631090.11), dbSNP rs751800302, ClinGen allele CA382531428.

ClinVar aggregate classification (germline): Uncertain significance. Review status: criteria provided, multiple submitters, no conflicts (2 of 4 stars). 4 submissions from 4 submitters: Uncertain significance (4). Last evaluated 2023-12-05.

Conditions:
Hereditary cancer-predisposing syndrome. Also called: Hereditary Cancer Syndrome; Neoplastic Syndromes, Hereditary; Tumor predisposition; Hereditary neoplastic syndrome. Identifiers: Orphanet 140162, MedGen C0027672, MeSH D009386, MONDO:0015356.
Ataxia-telangiectasia syndrome (AT). Also called: Ataxia-telangiectasia, complementation group D; AT, COMPLEMENTATION GROUP C; Ataxia-telangiectasia; ATAXIA-TELANGIECTASIA, COMPLEMENTATION GROUP A; ATAXIA-TELANGIECTASIA, FRESNO VARIANT; LOUIS-BAR SYNDROME. Identifiers: Orphanet 100, MedGen C0004135, MONDO:0008840, OMIM 208900.

Submissions (4):

Color Diagnostics, LLC DBA Color Health
Classification: Uncertain significance for Hereditary cancer-predisposing syndrome. Last evaluated: 2023-12-05. Review status: criteria provided, single submitter. Criteria: ACMG Guidelines, 2015. Collection method: clinical testing. Allele origin: germline.
Comment: This missense variant replaces asparagine with histidine at codon 338 of the ATM protein. Computational prediction suggests that this variant may not impact protein structure and function (internally defined REVEL score threshold <= 0.5, PMID: 27666373). To our knowledge, functional studies have not been reported for this variant. This variant has not been reported in individuals affected with ATM-related disorders in the literature. This variant has not been identified in the general population by the Genome Aggregation Database (gnomAD). The available evidence is insufficient to determine the role of this variant in disease conclusively. Therefore, this variant is classified as a Variant of Uncertain Significance.

Labcorp Genetics (formerly Invitae), Labcorp
Classification: Uncertain significance for Ataxia-telangiectasia syndrome. Last evaluated: 2023-08-31. Review status: criteria provided, single submitter. Criteria: Invitae Variant Classification Sherloc (09022015). Collection method: clinical testing. Allele origin: germline.
Comment: This variant has not been reported in the literature in individuals affected with ATM-related conditions. This variant is not present in population databases (gnomAD no frequency). This sequence change replaces asparagine, which is neutral and polar, with histidine, which is basic and polar, at codon 338 of the ATM protein (p.Asn338His). ClinVar contains an entry for this variant (Variation ID: 631090). An algorithm developed to predict the effect of missense changes on protein structure and function (PolyPhen-2) suggests that this variant¬†is likely to be tolerated. In summary, the available evidence is currently insufficient to determine the role of this variant in disease. Therefore, it has been classified as a Variant of Uncertain Significance.

GeneDx
Classification: Uncertain significance. Last evaluated: 2022-08-03. Review status: criteria provided, single submitter. Criteria: GeneDx Variant Classification Process June 2021. Collection method: clinical testing. Allele origin: germline. Affected: yes.
Comment: Not observed at significant frequency in large population cohorts (gnomAD); In silico analysis supports that this missense variant does not alter protein structure/function; Has not been previously published as pathogenic or benign to our knowledge

Ambry Genetics
Classification: Uncertain significance for Hereditary cancer-predisposing syndrome. Last evaluated: 2020-06-30. Review status: criteria provided, single submitter. Criteria: Ambry Variant Classification Scheme 2023. Collection method: clinical testing. Allele origin: germline.
Comment: The p.N338H variant (also known as c.1012A>C), located in coding exon 7 of the ATM gene, results from an A to C substitution at nucleotide position 1012. The asparagine at codon 338 is replaced by histidine, an amino acid with similar properties. This amino acid position is not well conserved in available vertebrate species. In addition, this alteration is predicted to be tolerated by in silico analysis. Since supporting evidence is limited at this time, the clinical significance of this alteration remains unclear.